The following is an entry in ClinVar:

NM_000090.4(COL3A1):c.2126C>A (p.Ala709Asp)

Gene: COL3A1 (collagen type III alpha 1 chain; plus strand). Cytogenetic location: 2q32.2.
Variant type: single nucleotide variant.
Coding change: c.2126C>A on transcript NM_000090.4 (MANE Select); coding-DNA position 2126, C replaced by A.
Protein change: p.Ala709Asp; replaces alanine 709 with aspartic acid.
Molecular consequence: missense variant.
Genome position (GRCh38, 1-based): chr2:188,999,474, C>A. VCF-style: chr2-188999474-C-A. GRCh37 (hg19) VCF-style: chr2-189864200-C-A.
Other names: short protein forms A709D.
Identifiers: ClinVar variation 3016474 (VCV003016474.3), dbSNP rs758578189, ClinGen allele CA075030.

ClinVar aggregate classification (germline): Uncertain significance (1 of 4 stars; one submission).

Conditions:
Ehlers-Danlos syndrome, type 4 (EDSVASC). Also called: Ehlers-Danlos Syndrome Type IV; Ehlers-Danlos syndrome vascular type; Ehlers Danlos syndrome, ecchymotic type; Ehlers Danlos syndrome, arterial type; Ehlers Danlos syndrome, Sack-Barabas type. Identifiers: Orphanet 286, MedGen C0268338, MONDO:0017314, OMIM 130050.

Allele frequency attached by ClinVar (database versions not stated): gnomAD exomes below 0.00001; ExAC 0.00001.
gnomAD v4.1: 1 of 1,614,096 alleles (0.000062%); highest among the groups gnomAD compares: Admixed American, 0.0017%; no homozygotes.

Submission:

Labcorp Genetics (formerly Invitae), Labcorp
Classification: Uncertain significance for Ehlers-Danlos syndrome, type 4. Last evaluated: 2023-08-27. Review status: criteria provided, single submitter. Criteria: Invitae Variant Classification Sherloc (09022015). Collection method: clinical testing. Allele origin: germline.
Comment: This sequence change replaces alanine, which is neutral and non-polar, with aspartic acid, which is acidic and polar, at codon 709 of the COL3A1 protein (p.Ala709Asp). This variant is present in population databases (rs758578189, gnomAD 0.003%). This variant has not been reported in the literature in individuals affected with COL3A1-related conditions. Advanced modeling of protein sequence and biophysical properties (such as structural, functional, and spatial information, amino acid conservation, physicochemical variation, residue mobility, and thermodynamic stability) performed at Invitae indicates that this missense variant is not expected to disrupt COL3A1 protein function. In summary, the available evidence is currently insufficient to determine the role of this variant in disease. Therefore, it has been classified as a Variant of Uncertain Significance.